The following is an entry in ClinVar:

ClinVar aggregate classification (germline): Uncertain significance (1 of 4 stars; one submission).

Conditions:
EP300-related disorder. Also called: EP300-related condition; EP300-related disorders.

Submission:

PreventionGenetics, part of Exact Sciences
Classification: Uncertain significance for EP300-related condition. Last evaluated: 2025-03-13. Review status: criteria provided, single submitter. Criteria: ACMG Guidelines, 2015. Collection method: clinical testing. Allele origin: germline.
Comment: The EP300 c.4955T>C variant is predicted to result in the amino acid substitution p.Met1652Thr. To our knowledge, this variant has not been reported in the literature or in a large population database (gnomAD), indicating this variant is rare. At this time, the clinical significance of this variant is uncertain due to the absence of conclusive functional and genetic evidence.

NM_001429.4(EP300):c.4955T>C (p.Met1652Thr)

Gene: EP300 (EP300 lysine acetyltransferase; plus strand). Cytogenetic location: 22q13.2.
Variant type: single nucleotide variant.
Coding change: c.4955T>C on transcript NM_001429.4 (MANE Select); coding-DNA position 4955, T replaced by C.
Protein change: p.Met1652Thr; replaces methionine 1652 with threonine.
Molecular consequence: missense variant.
Genome position (GRCh38, 1-based): chr22:41,176,422, T>C. VCF-style: chr22-41176422-T-C. GRCh37 (hg19) VCF-style: chr22-41572426-T-C.
Other names: c.4877T>C, p.Met1626Thr (NM_001362843.2); short protein forms M1626T, M1652T.
Identifiers: ClinVar variation 4990110 (VCV004990110.1).
Genomic context (GRCh38, chr22:41,176,422, plus strand): 5'-CGCTGGCAAGGGACAAGCACCTGGAGTTCTCTTCACTCCGAAGAGCCCAGTGGTCCACCA[T>C]GTGCATGCTGGTGGAGCTGCACACGCAGAGCCAGGACCGCTTTGTCTACACCTGCAATGA-3'
Protein context (NP_001420.2, residues 1642-1662): SSLRRAQWST[Met1652Thr]CMLVELHTQS